The following is an entry in ClinVar:

NM_001029883.3(PCARE):c.422A>G (p.Asp141Gly)

Gene: PCARE (photoreceptor cilium actin regulator; minus strand). Cytogenetic location: 2p23.2.
Variant type: single nucleotide variant.
Coding change: c.422A>G on transcript NM_001029883.3 (MANE Select); coding-DNA position 422, A replaced by G.
Protein change: p.Asp141Gly; replaces aspartic acid 141 with glycine.
Molecular consequence: missense variant.
Genome position (GRCh38, 1-based): chr2:29,073,840, T>C on the plus strand (A>G on the coding strand, the complement: PCARE is on the minus strand). VCF-style: chr2-29073840-T-C. GRCh37 (hg19) VCF-style: chr2-29296706-T-C.
Other names: short protein forms D141G.
Identifiers: ClinVar variation 1958284 (VCV001958284.5), dbSNP rs900649119, ClinGen allele CA44644087.
Genomic context (GRCh38, chr2:29,073,840, plus strand): 5'-TAGCAGTGGCTCTGTGTGCTTGACGTGTGACATTTTGCTGTCCTTTTCCATTTGGAAGTA[T>C]CTTGGGTACTACTTTCCTCACTCTCATCTCCAGAAAAGTCTGCCCCTTGTGATCCATGGG-3'
Protein context (NP_001025054.1, residues 131-151): GDESEESSTQ[Asp141Gly]TSKWKRTAKC

ClinVar aggregate classification (germline): Uncertain significance (1 of 4 stars; one submission).

Allele frequency attached by ClinVar (database versions not stated): gnomAD exomes below 0.00001; TOPMed 0.00001.
gnomAD v4.1: 1 of 1,614,242 alleles (0.000062%); highest among the groups gnomAD compares: Admixed American, 0.0017%; no homozygotes.

Submission:

Labcorp Genetics (formerly Invitae), Labcorp
Classification: Uncertain significance. Last evaluated: 2021-12-08. Review status: criteria provided, single submitter. Criteria: Invitae Variant Classification Sherloc (09022015). Collection method: clinical testing. Allele origin: germline.
Comment: This sequence change replaces aspartic acid, which is acidic and polar, with glycine, which is neutral and non-polar, at codon 141 of the PCARE protein (p.Asp141Gly). This variant is present in population databases (no rsID available, gnomAD 0.003%). This variant has not been reported in the literature in individuals affected with PCARE-related conditions. Algorithms developed to predict the effect of missense changes on protein structure and function output the following: SIFT: "Deleterious"; PolyPhen-2: "Benign"; Align-GVGD: "Class C0". The glycine amino acid residue is found in multiple mammalian species, which suggests that this missense change does not adversely affect protein function. Algorithms developed to predict the effect of sequence changes on RNA splicing suggest that this variant may create or strengthen a splice site. In summary, the available evidence is currently insufficient to determine the role of this variant in disease. Therefore, it has been classified as a Variant of Uncertain Significance.